The following is an entry in ClinVar:

NM_181078.3(IL21R):c.1321C>T (p.Pro441Ser)

Genes: IL21R (interleukin 21 receptor; plus strand), IL21R-AS1 (IL21R antisense RNA 1; minus strand). Cytogenetic location: 16p12.1.
Variant type: single nucleotide variant.
Coding change: c.1321C>T on transcript NM_181078.3 (MANE Select); coding-DNA position 1321, C replaced by T.
Protein change: p.Pro441Ser; replaces proline 441 with serine.
Molecular consequence: missense variant. On other transcripts: non-coding transcript variant (1).
Genome position (GRCh38, 1-based): chr16:27,448,987, C>T. VCF-style: chr16-27448987-C-T. GRCh37 (hg19) VCF-style: chr16-27460308-C-T.
Other names: c.1321C>T, p.Pro441Ser (NM_021798.4); c.1387C>T, p.Pro463Ser (NM_181079.5); short protein forms P441S, P463S.
Identifiers: ClinVar variation 1387608 (VCV001387608.3), dbSNP rs756335632, ClinGen allele CA7975187.
Genomic context (GRCh38, chr16:27,448,987, plus strand): 5'-GCAGGGACCACAGTCCTGTCCTGTGGCTGTGTCTCAGCTGGCAGCCCTGGGCTAGGAGGG[C>T]CCCTGGGAAGCCTCCTGGACAGACTAAAGCCACCCCTTGCAGATGGGGAGGACTGGGCTG-3'
Protein context (NP_851564.1, residues 431-451): VSAGSPGLGG[Pro441Ser]LGSLLDRLKP

ClinVar aggregate classification (germline): Uncertain significance (1 of 4 stars; one submission).

Conditions:
Cryptosporidiosis-chronic cholangitis-liver disease syndrome. Also called: Immunodeficiency type 56; IL21R immunodeficiency. Identifiers: Orphanet 357329, MedGen C3554687, MONDO:0014082, OMIM 615207.

Allele frequency attached by ClinVar (database versions not stated): ExAC 0.00001; gnomAD 0.00001.
gnomAD v4.1: 4 of 1,612,678 alleles (0.00025%); highest among the groups gnomAD compares: Admixed American, 0.0067%; no homozygotes.

Submission:

Labcorp Genetics (formerly Invitae), Labcorp
Classification: Uncertain significance for Cryptosporidiosis-chronic cholangitis-liver disease syndrome. Last evaluated: 2022-08-15. Review status: criteria provided, single submitter. Criteria: Invitae Variant Classification Sherloc (09022015). Collection method: clinical testing. Allele origin: germline.
Comment: This sequence change replaces proline, which is neutral and non-polar, with serine, which is neutral and polar, at codon 441 of the IL21R protein (p.Pro441Ser). This variant is present in population databases (rs756335632, gnomAD 0.009%). This variant has not been reported in the literature in individuals affected with IL21R-related conditions. ClinVar contains an entry for this variant (Variation ID: 1387608). Algorithms developed to predict the effect of missense changes on protein structure and function output the following: SIFT: "Tolerated"; PolyPhen-2: "Benign"; Align-GVGD: "Class C0". The serine amino acid residue is found in multiple mammalian species, which suggests that this missense change does not adversely affect protein function. In summary, the available evidence is currently insufficient to determine the role of this variant in disease. Therefore, it has been classified as a Variant of Uncertain Significance.